The following is an entry in ClinVar:

NM_004628.5(XPC):c.2116-3C>T

Gene: XPC (XPC complex subunit, DNA damage recognition and repair factor; minus strand). Cytogenetic location: 3p25.1.
Variant type: single nucleotide variant.
Coding change: c.2116-3C>T on transcript NM_004628.5 (MANE Select); 3 bases into the intron before coding-DNA position 2116, C replaced by T.
Molecular consequence: intron variant.
Genome position (GRCh38, 1-based): chr3:14,148,951, G>A on the plus strand (C>T on the coding strand, the complement: XPC is on the minus strand). VCF-style: chr3-14148951-G-A. GRCh37 (hg19) VCF-style: chr3-14190451-G-A.
Other names: c.2098-3C>T (NM_001354729.2); c.1537-3C>T (NM_001354726.2); c.1870-3C>T (NM_001354730.2); c.2110-3C>T (NM_001354727.2).
Identifiers: ClinVar variation 3729066 (VCV003729066.2).

ClinVar aggregate classification (germline): Uncertain significance (1 of 4 stars; one submission).

Submission:

Labcorp Genetics (formerly Invitae), Labcorp
Classification: Uncertain significance. Last evaluated: 2025-01-15. Review status: criteria provided, single submitter. Criteria: Invitae Variant Classification Sherloc (09022015). Collection method: clinical testing. Allele origin: germline.
Comment: This sequence change falls in intron 11 of the XPC gene. It does not directly change the encoded amino acid sequence of the XPC protein. It affects a nucleotide within the consensus splice site. This variant is not present in population databases (gnomAD no frequency). This variant has not been reported in the literature in individuals affected with XPC-related conditions. Variants that disrupt the consensus splice site are a relatively common cause of aberrant splicing (PMID: 17576681, 9536098). Algorithms developed to predict the effect of sequence changes on RNA splicing suggest that this variant is not likely to affect RNA splicing. In summary, the available evidence is currently insufficient to determine the role of this variant in disease. Therefore, it has been classified as a Variant of Uncertain Significance.

Literature cited by the submitters: PubMed 17576681; PubMed 9536098.